The following is an entry in ClinVar:

ClinVar aggregate classification (germline): Likely benign (1 of 4 stars; one submission).

Submission:

CeGaT Center for Human Genetics Tuebingen
Classification: Likely benign. Last evaluated: 2026-06-01. Review status: criteria provided, single submitter. Criteria: CeGaT Center For Human Genetics Tuebingen Variant Classification Criteria Version 2. Collection method: clinical testing. Allele origin: germline. Affected: yes. Observed: 2 variant alleles.
Comment: ZNF418: BP4, BP7

NM_133460.3(ZNF418):c.1776A>G (p.Glu592=)

Gene: ZNF418 (zinc finger protein 418; minus strand). Cytogenetic location: 19q13.43.
Variant type: single nucleotide variant.
Coding change: c.1776A>G on transcript NM_133460.3 (MANE Select); coding-DNA position 1776, A replaced by G.
Protein change: p.Glu592=; no amino-acid change (glutamic acid 592 retained).
Molecular consequence: synonymous variant.
Genome position (GRCh38, 1-based): chr19:57,926,405, T>C on the plus strand (A>G on the coding strand, the complement: ZNF418 is on the minus strand). VCF-style: chr19-57926405-T-C. GRCh37 (hg19) VCF-style: chr19-58437773-T-C.
Other names: c.1776A>G, p.Glu592= (NM_001317029.2); c.1521A>G, p.Glu507= (NM_001317030.2); c.1839A>G, p.Glu613= (NM_001317027.2); c.1779A>G, p.Glu593= (NM_001317028.2).
Identifiers: ClinVar variation 4820779 (VCV004820779.4).